The following is an entry in ClinVar:

ClinVar aggregate classification (germline): Likely benign. Review status: criteria provided, single submitter (1 of 4 stars). 2 submissions from 2 submitters: Likely benign (1). 1 of the submissions does not count toward it. Last evaluated 2025-03-29.

Conditions:
DNAH1-related disorder. Also called: DNAH1-related condition.
Spermatogenic failure 18. Identifiers: MedGen C4539783, MONDO:0054615, OMIM 617576.
Ciliary dyskinesia, primary, 37 (CILD37). Also called: CILIARY DYSKINESIA, PRIMARY, 37, WITH OR WITHOUT SITUS INVERSUS. Identifiers: MedGen C4539798, MONDO:0033204, OMIM 617577.

Allele frequency attached by ClinVar (database versions not stated): gnomAD exomes 0.00003; gnomAD 0.00002; TOPMed 0.00002; ExAC 0.00003.
gnomAD v4.1: 51 of 1,611,616 alleles (0.0032%); highest among the groups gnomAD compares: Non-Finnish European, 0.0042%; no homozygotes.

Submissions (2):

Labcorp Genetics (formerly Invitae), Labcorp
Classification: Likely benign for Ciliary dyskinesia, primary, 37; Spermatogenic failure 18. Last evaluated: 2025-03-29. Review status: criteria provided, single submitter. Criteria: Invitae Variant Classification Sherloc (09022015). Collection method: clinical testing. Allele origin: germline.

PreventionGenetics, part of Exact Sciences
Classification: Likely benign for DNAH1-related condition. Last evaluated: 2019-08-20. Review status: no assertion criteria provided. Collection method: clinical testing. Allele origin: germline. Not counted in ClinVar's aggregate classification.
Comment: This variant is classified as likely benign based on ACMG/AMP sequence variant interpretation guidelines (Richards et al. 2015 PMID: 25741868, with internal and published modifications).

NM_015512.5(DNAH1):c.4266+10C>T

Gene: DNAH1 (dynein axonemal heavy chain 1; plus strand). Cytogenetic location: 3p21.1.
Variant type: single nucleotide variant.
Coding change: c.4266+10C>T on transcript NM_015512.5 (MANE Select); 10 bases into the intron after coding-DNA position 4266, C replaced by T.
Molecular consequence: intron variant.
Genome position (GRCh38, 1-based): chr3:52,358,747, C>T. VCF-style: chr3-52358747-C-T. GRCh37 (hg19) VCF-style: chr3-52392763-C-T.
Identifiers: ClinVar variation 3052336 (VCV003052336.4), dbSNP rs768886726, ClinGen allele CA2433857.